The following is an entry in ClinVar:

NM_006785.4(MALT1):c.926_929delGAAG

Gene: MALT1 (MALT1 paracaspase; plus strand). Cytogenetic location: 18q21.32.
Variant type: Deletion.
Coding change: c.926_929delGAAG on transcript NM_006785.4 (MANE Select); coding-DNA positions 926 to 929, 4 bases deleted (GAAG).
Molecular consequence: splice acceptor variant. On other transcripts: intron variant (1).
Genome position (GRCh38, 1-based): chr18:58,710,921-58,710,924, GAAG deleted; deleting any 4 consecutive bases within chr18:58,710,918-58,710,924 gives the same sequence; the c. name uses the placement nearest the transcript's 3' end. VCF-style (leftmost placement, unchanged base first): chr18-58710917-CAAGG-C. GRCh37 (hg19) VCF-style: chr18-56378149-CAAGG-C.
Other names: c.925+849_925+852del (NM_173844.3).
Identifiers: ClinVar variation 1069927 (VCV001069927.14), ClinGen allele CA8977755.

ClinVar aggregate classification (germline): Pathogenic/Likely pathogenic. Review status: criteria provided, multiple submitters, no conflicts (2 of 4 stars). 3 submissions from 3 submitters: Pathogenic (2); Likely pathogenic (1). Last evaluated 2026-01-29.

Conditions:
Combined immunodeficiency due to MALT1 deficiency. Also called: Immunodeficiency 12. Identifiers: Orphanet 397964, MedGen C3809583, MONDO:0014197, OMIM 615468.

Submissions (3):

Women's Health and Genetics/Laboratory Corporation of America, LabCorp
Classification: Pathogenic for Combined immunodeficiency due to MALT1 deficiency. Last evaluated: 2026-01-29. Review status: criteria provided, single submitter. Criteria: LabCorp Variant Classification Summary - May 2015. Collection method: clinical testing. Allele origin: germline.
Comment: Variant summary: MALT1 c.926_929delGAAG (p.Gly309GlufsX13) results in a premature termination codon, predicted to cause a truncation of the encoded protein or absence of the protein due to nonsense mediated decay, which are commonly known mechanisms for disease. The variant allele was found at a frequency of 4.4e-06 in 225180 control chromosomes. To our knowledge, no occurrence of c.926_929delGAAG in individuals affected with MALT1-related conditions and no experimental evidence demonstrating its impact on protein function have been reported. ClinVar contains an entry for this variant (Variation ID: 1069927). Based on the evidence outlined above, the variant was classified as pathogenic.

Labcorp Genetics (formerly Invitae), Labcorp
Classification: Pathogenic for Combined immunodeficiency due to MALT1 deficiency. Last evaluated: 2022-09-19. Review status: criteria provided, single submitter. Criteria: Invitae Variant Classification Sherloc (09022015). Collection method: clinical testing. Allele origin: germline.
Comment: This sequence change creates a premature translational stop signal (p.Gly309Glufs*13) in the MALT1 gene. It is expected to result in an absent or disrupted protein product. Loss-of-function variants in MALT1 are known to be pathogenic (PMID: 23727036, 25627829). This variant is present in population databases (rs748082937, gnomAD 0.002%). This variant has not been reported in the literature in individuals affected with MALT1-related conditions. ClinVar contains an entry for this variant (Variation ID: 1069927). Algorithms developed to predict the effect of sequence changes on RNA splicing suggest that this variant may disrupt the consensus splice site. For these reasons, this variant has been classified as Pathogenic.

Victorian Clinical Genetics Services, Murdoch Childrens Research Institute
Classification: Likely pathogenic for Combined immunodeficiency due to MALT1 deficiency. Last evaluated: 2022-06-24. Review status: criteria provided, single submitter. Criteria: ACMG Guidelines, 2015. Collection method: clinical testing. Allele origin: germline. Inheritance: Autosomal recessive inheritance. Affected: yes.
Comment: Based on the classification scheme VCGS_Germline_v1.3.4, this variant is classified as likely pathogenic. The following criteria are met: 0102 - Loss of function is a known mechanism of disease in this gene and is associated with immunodeficiency 12 (MIM#615468). (I) 0106 - This gene is associated with autosomal recessive disease. (I) 0201 - Variant is predicted to cause nonsense-mediated decay (NMD) and loss of protein (premature termination codon is located at least 54 nucleotides upstream of the final exon-exon junction). (SP) 0219 - This variant is non-coding in an alternative transcript. This variant is located in exon 7 which is an alternatively splice exon specific to the MALT1A isoform. Inclusion of this exon has been demonstrated to be crucial in facilitating the recruitment of TRAF6 which impacts MALT1 scaffolding function but not its protease activity (PMID: 27068814) (I) 0251 - This variant is heterozygous. (I) 0304 - Variant is present in gnomAD (v2) <0.01 for a recessive condition (2 heterozygotes, 0 homozygotes). (SP) 0803 - This variant has limited previous evidence of pathogenicity in an individual. This variant has been reported as pathogenic once in ClinVar. (SP) 0905 - No published segregation evidence has been identified for this variant. (I) 1007 - No published functional evidence has been identified for this variant. (I) 0701 - Other NMD-predicted variants comparable to the one identified in this case have very strong previous evidence for pathogenicity. More than nine NMD-predicted variants have previously been reported as disease causing in patients with immunodeficiency 12 (ClinVar, PMID: 35079916). (SP) Legend: (SP) - Supporting pathogenic, (I) - Information, (SB) - Supporting benign

Literature cited by the submitters: PubMed 23727036 (cited by Labcorp Genetics (formerly Invitae), Labcorp); PubMed 25627829 (cited by Labcorp Genetics (formerly Invitae), Labcorp); PubMed 27068814 (cited by Victorian Clinical Genetics Services, Murdoch Childrens Research Institute); PubMed 35079916 (cited by Victorian Clinical Genetics Services, Murdoch Childrens Research Institute).